The following is an entry in ClinVar:

ClinVar aggregate classification (germline): Conflicting classifications of pathogenicity. Review status: criteria provided, conflicting classifications (1 of 4 stars). 7 submissions from 7 submitters: Uncertain significance (5); Likely benign (2). Last evaluated 2026-02-03.

Conditions:
Multiple endocrine neoplasia, type 2 (MEN2). Identifiers: Orphanet 653, MedGen C4048306, MONDO:0019003. Disease mechanism: gain of function.
Hereditary cancer-predisposing syndrome. Also called: Neoplastic Syndromes, Hereditary; Hereditary Cancer Syndrome; Hereditary neoplastic syndrome; Tumor predisposition. Identifiers: Orphanet 140162, MedGen C0027672, MeSH D009386, MONDO:0015356.
Hirschsprung disease, susceptibility to, 1 (HSCR1). Also called: RET-Related Hirschsprung Disease. Identifiers: Orphanet 388, MedGen C3888239, MONDO:0007723, OMIM 142623.
Multiple endocrine neoplasia type 2A. Also called: MULTIPLE ENDOCRINE NEOPLASIA, TYPE IIA; PTC SYNDROME; SIPPLE SYNDROME; MEN 2A; MEN-2A syndrome; Pheochromocytoma and amyloid producing medullary thyroid carcinoma. Identifiers: Orphanet 247698, Orphanet 653, MedGen C0025268, MeSH D018813, MONDO:0008234, OMIM 171400.

Allele frequency attached by ClinVar (database versions not stated): TOPMed below 0.00001; gnomAD 0.00001; gnomAD exomes 0.00001 and 0.00002; ExAC 0.00002; 1000 Genomes Project 0.00040; 1000 Genomes Project 30x 0.00047.
gnomAD v4.1: 10 of 1,613,096 alleles (0.00062%); highest among the groups gnomAD compares: East Asian, 0.018%; no homozygotes.

Submissions (7):

Labcorp Genetics (formerly Invitae), Labcorp
Classification: Uncertain significance for Multiple endocrine neoplasia, type 2. Last evaluated: 2026-02-03. Review status: criteria provided, single submitter. Criteria: Invitae Variant Classification Sherloc (09022015). Collection method: clinical testing. Allele origin: germline.
Comment: This sequence change replaces glutamine, which is neutral and polar, with glutamic acid, which is acidic and polar, at codon 681 of the RET protein (p.Gln681Glu). This variant is present in population databases (rs567241943, gnomAD 0.02%). This variant has not been reported in the literature in individuals affected with RET-related conditions. ClinVar contains an entry for this variant (Variation ID: 477337). An algorithm developed to predict the effect of missense changes on protein structure and function (PolyPhen-2) suggests that this variant is likely to be disruptive. In summary, the available evidence is currently insufficient to determine the role of this variant in disease. Therefore, it has been classified as a Variant of Uncertain Significance.

GeneDx
Classification: Uncertain significance. Last evaluated: 2025-05-13. Review status: criteria provided, single submitter. Criteria: GeneDx Variant Classification Process June 2021. Collection method: clinical testing. Allele origin: germline. Affected: yes.
Comment: Not observed at significant frequency in large population cohorts (gnomAD); In silico analysis suggests that this missense variant does not alter protein structure/function; Observed in a patient with complex congenital heart disease and polydactyly in published literature; this individual also had variants in other genes (PMID: 33098376); This variant is associated with the following publications: (PMID: 32077636, 14633923, 37622214, 33033274, 33098376)

Myriad Genetics, Inc.
Classification: Likely benign for Multiple endocrine neoplasia type 2A. Last evaluated: 2024-08-12. Review status: criteria provided, single submitter. Criteria: Myriad Autosomal Dominant, Autosomal Recessive and X-Linked Classification Criteria (2023). Collection method: clinical testing. Allele origin: unknown.
Comment: This variant is considered likely benign. This variant has been observed at a population frequency that is significantly greater than expected given the associated disease prevalence and penetrance.

All of Us Research Program, National Institutes of Health
Classification: Uncertain significance for Multiple endocrine neoplasia, type 2. Last evaluated: 2024-07-29. Review status: criteria provided, single submitter. Criteria: ACMG Guidelines, 2015. Collection method: clinical testing. Allele origin: germline. Inheritance: Autosomal dominant inheritance. Observed: 3 variant alleles, 3 heterozygotes.
Comment: This missense variant replaces glutamine with glutamic acid at codon 681 of the RET protein. Computational prediction suggests that this variant may not impact protein structure and function (internally defined REVEL score threshold <= 0.5, PMID: 27666373). To our knowledge, functional studies have not been reported for this variant. This variant has not been reported in individuals affected with hereditary cancer in the literature. This variant has been identified in 5/250682 chromosomes in the general population by the Genome Aggregation Database (gnomAD). The available evidence is insufficient to determine the role of this variant in disease conclusively. Therefore, this variant is classified as a Variant of Uncertain Significance.

This study involves interpretation of variants in research participants for the purpose of population health screening. Participant phenotype was not available at the time of variant classification. Additional details can be found in publication PMID: 35346344, PMCID: PMC8962531

Baylor Genetics
Classification: Uncertain significance for Hirschsprung disease, susceptibility to, 1. Last evaluated: 2023-12-26. Review status: criteria provided, single submitter. Criteria: ACMG Guidelines, 2015. Collection method: clinical testing. Allele origin: unknown.

Women's Health and Genetics/Laboratory Corporation of America, LabCorp
Classification: Uncertain significance. Last evaluated: 2023-08-15. Review status: criteria provided, single submitter. Criteria: LabCorp Variant Classification Summary - May 2015. Collection method: clinical testing. Allele origin: germline.
Comment: Variant summary: RET c.2041C>G (p.Gln681Glu) results in a conservative amino acid change in the encoded protein sequence. Three of five in-silico tools predict a damaging effect of the variant on protein function. The variant allele was found at a frequency of 2e-05 in 250682 control chromosomes. The available data on variant occurrences in the general population are insufficient to allow any conclusion about variant significance. c.2041C>G has been reported in the literature in individual(s) affected with complex congenital heart disease (example, Chen_2020). These report(s) do not provide unequivocal conclusions about association of the variant with Multiple Endocrine Neoplasia Type 2. To our knowledge, no experimental evidence demonstrating an impact on protein function has been reported. The following publication have been ascertained in the context of this evaluation (PMID: 33098376). Two submitters have cited clinical-significance assessments for this variant to ClinVar after 2014. One submitter classified the variant as likely benign, and one submitter classified the variant as uncertain significance. Based on the evidence outlined above, the variant was classified as uncertain significance.

Ambry Genetics
Classification: Likely benign for Hereditary cancer-predisposing syndrome. Last evaluated: 2023-03-24. Review status: criteria provided, single submitter. Criteria: Ambry Variant Classification Scheme 2023. Collection method: clinical testing. Allele origin: germline.

Literature cited by the submitters: PubMed 33098376 (cited by Women's Health and Genetics/Laboratory Corporation of America, LabCorp).

NM_020975.6(RET):c.2041C>G (p.Gln681Glu)

Gene: RET (ret proto-oncogene; plus strand). Cytogenetic location: 10q11.21.
Variant type: single nucleotide variant.
Coding change: c.2041C>G on transcript NM_020975.6 (MANE Select); coding-DNA position 2041, C replaced by G.
Protein change: p.Gln681Glu; replaces glutamine 681 with glutamic acid.
Molecular consequence: missense variant.
Genome position (GRCh38, 1-based): chr10:43,114,641, C>G. VCF-style: chr10-43114641-C-G. GRCh37 (hg19) VCF-style: chr10-43610089-C-G.
Other names: c.2041C>G, p.Gln681Glu (NM_000323.2, NM_001406743.1, NM_001406744.1 and 4 more transcripts); c.1279C>G, p.Gln427Glu (NM_001355216.2); c.1912C>G, p.Gln638Glu (NM_001406761.1, NM_001406762.1, NM_001406764.1); c.1906C>G, p.Gln636Glu (NM_001406763.1, NM_001406765.1); c.1753C>G, p.Gln585Glu (NM_001406766.1, NM_001406767.1, NM_001406770.1); c.1777C>G, p.Gln593Glu (NM_001406768.1); c.1645C>G, p.Gln549Glu (NM_001406769.1, NM_001406772.1); c.1603C>G, p.Gln535Glu (NM_001406771.1, NM_001406773.1); and 10 more; short protein forms Q681E, Q427E, Q198E, Q337E, Q382E, Q593E, Q636E, Q638E.
Identifiers: ClinVar variation 477337 (VCV000477337.20), dbSNP rs567241943, ClinGen allele CA037016.